The following is an entry in ClinVar:

ClinVar aggregate classification (germline): Uncertain significance (1 of 4 stars; one submission).

Conditions:
Usher syndrome type 3B. Also called: USHER SYNDROME, TYPE IIIB. Identifiers: MedGen C3281066, MONDO:0013788, OMIM 614504.

gnomAD v4.1: 2 of 1,606,594 alleles (0.00012%); highest among the groups gnomAD compares: Non-Finnish European, 0.00017%; no homozygotes.

Submission:

Labcorp Genetics (formerly Invitae), Labcorp
Classification: Uncertain significance for Usher syndrome type 3B. Last evaluated: 2024-02-24. Review status: criteria provided, single submitter. Criteria: Invitae Variant Classification Sherloc (09022015). Collection method: clinical testing. Allele origin: germline.
Comment: This sequence change replaces leucine, which is neutral and non-polar, with phenylalanine, which is neutral and non-polar, at codon 124 of the HARS protein (p.Leu124Phe). This variant is not present in population databases (gnomAD no frequency). This variant has not been reported in the literature in individuals affected with HARS-related conditions. Advanced modeling of protein sequence and biophysical properties (such as structural, functional, and spatial information, amino acid conservation, physicochemical variation, residue mobility, and thermodynamic stability) has been performed at Invitae for this missense variant, however the output from this modeling did not meet the statistical confidence thresholds required to predict the impact of this variant on HARS protein function. In summary, the available evidence is currently insufficient to determine the role of this variant in disease. Therefore, it has been classified as a Variant of Uncertain Significance.

NM_002109.6(HARS1):c.370C>T (p.Leu124Phe)

Gene: HARS1 (histidyl-tRNA synthetase 1; minus strand). Cytogenetic location: 5q31.3.
Variant type: single nucleotide variant.
Coding change: c.370C>T on transcript NM_002109.6 (MANE Select); coding-DNA position 370, C replaced by T.
Protein change: p.Leu124Phe; replaces leucine 124 with phenylalanine.
Molecular consequence: missense variant. On other transcripts: intron variant (2).
Genome position (GRCh38, 1-based): chr5:140,679,814, G>A on the plus strand (C>T on the coding strand, the complement: HARS1 is on the minus strand). VCF-style: chr5-140679814-G-A. GRCh37 (hg19) VCF-style: chr5-140059399-G-A.
Other names: c.250C>T, p.Leu84Phe (NM_001258040.3, NM_001258042.3); c.370C>T, p.Leu124Phe (NM_001258041.3); c.283C>T, p.Leu95Phe (NM_001289094.2); c.181-1799C>T (NM_001289093.2); c.301-1799C>T (NM_001289092.2); short protein forms L124F, L84F, L95F.
Identifiers: ClinVar variation 3698710 (VCV003698710.2).
Genomic context (GRCh38, chr5:140,679,814, plus strand): 5'-CCAAAGTCTCAAGAGCCCAAGTTTAGAAAGATACAGTGAGGTCATAGCGAAGGGACAGGA[G>A]CTCCCCGCCCTGGTCCTTCAGGTCATAGATAAGCTTGGAGTCTTCCCCATACTTTCCCAT-3'
Protein context (NP_002100.2, residues 114-134): IYDLKDQGGE[Leu124Phe]LSLRYDLTVP